The following is an entry in ClinVar:

ClinVar aggregate classification (germline): Uncertain significance (1 of 4 stars; one submission).

Submission:

Labcorp Genetics (formerly Invitae), Labcorp
Classification: Uncertain significance. Last evaluated: 2025-09-23. Review status: criteria provided, single submitter. Criteria: Invitae Variant Classification Sherloc (09022015). Collection method: clinical testing. Allele origin: germline.
Comment: This sequence change falls in intron 18 of the OBSL1 gene. It does not directly change the encoded amino acid sequence of the OBSL1 protein. It affects a nucleotide within the consensus splice site. This variant is not present in population databases (gnomAD no frequency). This variant has not been reported in the literature in individuals affected with OBSL1-related conditions. Variants that disrupt the consensus splice site are a relatively common cause of aberrant splicing (PMID: 17576681, 9536098). Algorithms developed to predict the effect of sequence changes on RNA splicing suggest that this variant is not likely to affect RNA splicing. In summary, the available evidence is currently insufficient to determine the role of this variant in disease. Therefore, it has been classified as a Variant of Uncertain Significance.

Literature cited by the submitters: PubMed 17576681; PubMed 9536098.

NM_015311.3(OBSL1):c.5308+3C>T

Genes: OBSL1 (obscurin like cytoskeletal adaptor 1; minus strand), LOC129935660 (ATAC-STARR-seq lymphoblastoid silent region 12361; plus strand). Cytogenetic location: 2q35.
Variant type: single nucleotide variant.
Coding change: c.5308+3C>T on transcript NM_015311.3 (MANE Select); 3 bases into the intron after coding-DNA position 5308, C replaced by T.
Molecular consequence: intron variant.
Genome position (GRCh38, 1-based): chr2:219,552,533, G>A on the plus strand (C>T on the coding strand, the complement: OBSL1 is on the minus strand). VCF-style: chr2-219552533-G-A. GRCh37 (hg19) VCF-style: chr2-220417255-G-A.
Identifiers: ClinVar variation 4726787 (VCV004726787.1).
Genomic context (GRCh38, chr2:219,552,533, plus strand): 5'-CGGGATCTGTTCGAGCCTGGGCGGGGCAGCGAGGGGCCCGAAAGGGTAACCAGGCGGGCA[G>A]ACCTTCCTGTCGGATGCGGACGCGGGCTCCGGGTCTCAGCGGGCGGCCTCCGAGCTCCCA-3'